The following is an entry in ClinVar:

ClinVar aggregate classification (germline): Likely benign. Review status: criteria provided, multiple submitters, no conflicts (2 of 4 stars). 3 submissions from 3 submitters: Likely benign (3). Last evaluated 2025-11-03.

Allele frequency attached by ClinVar (database versions not stated): ExAC 0.00002; gnomAD 0.00005; gnomAD exomes 0.00005; TOPMed 0.00007.
gnomAD v4.1: 76 of 1,614,000 alleles (0.0047%); highest among the groups gnomAD compares: Non-Finnish European, 0.0063%; no homozygotes.

Submissions (3):

Labcorp Genetics (formerly Invitae), Labcorp
Classification: Likely benign. Last evaluated: 2025-11-03. Review status: criteria provided, single submitter. Criteria: Invitae Variant Classification Sherloc (09022015). Collection method: clinical testing. Allele origin: germline.

Mayo Clinic Laboratories, Mayo Clinic
Classification: Likely benign. Last evaluated: 2025-01-28. Review status: criteria provided, single submitter. Criteria: ACMG Guidelines, 2015. Collection method: clinical testing. Allele origin: germline. Observed: 1 variant allele.
Comment: BP4, BP7

CeGaT Center for Human Genetics Tuebingen
Classification: Likely benign. Last evaluated: 2022-05-01. Review status: criteria provided, single submitter. Criteria: CeGaT Center For Human Genetics Tuebingen Variant Classification Criteria Version 2. Collection method: clinical testing. Allele origin: germline. Affected: yes. Observed: 1 variant allele.
Comment: VPS13D: BP4, BP7

NM_015378.4(VPS13D):c.2790C>T (p.Ser930=)

Gene: VPS13D (vacuolar protein sorting 13 homolog D; plus strand). Cytogenetic location: 1p36.22.
Variant type: single nucleotide variant.
Coding change: c.2790C>T on transcript NM_015378.4 (MANE Select); coding-DNA position 2790, C replaced by T.
Protein change: p.Ser930=; no amino-acid change (serine 930 retained).
Molecular consequence: synonymous variant.
Genome position (GRCh38, 1-based): chr1:12,276,378, C>T. VCF-style: chr1-12276378-C-T. GRCh37 (hg19) VCF-style: chr1-12336435-C-T.
Other names: p.Ser930=; c.2790C>T, p.Ser930= (NM_018156.4).
Identifiers: ClinVar variation 2155279 (VCV002155279.29), dbSNP rs777696111, ClinGen allele CA601863.